The following is an entry in ClinVar:

NM_001113378.2(FANCI):c.912_916del (p.Asn304fs)

Gene: FANCI (FA complementation group I; plus strand). Cytogenetic location: 15q26.1.
Variant type: Deletion.
Coding change: c.912_916del on transcript NM_001113378.2 (MANE Select); coding-DNA positions 912 to 916, 5 bases deleted (CTTAA; older notation c.912_916delCTTAA).
Protein change: p.Asn304fs; shifts the reading frame from asparagine 304.
Molecular consequence: frameshift variant.
Genome position (GRCh38, 1-based): chr15:89,273,406-89,273,410, CTTAA deleted; deleting any 5 consecutive bases within chr15:89,273,403-89,273,410 gives the same sequence; the c. name uses the placement nearest the transcript's 3' end. VCF-style (leftmost placement, unchanged base first): chr15-89273402-ATAACT-A. GRCh37 (hg19) VCF-style: chr15-89816633-ATAACT-A.
Other names: c.633_637del, p.Asn211fs (NM_001376910.1); c.912_916del, p.Asn304fs (NM_001376911.1, NM_018193.3); short protein forms N211fs, N304fs.
Identifiers: ClinVar variation 2766417 (VCV002766417.4), dbSNP rs2506174736, ClinGen allele CA2575827717.

ClinVar aggregate classification (germline): Pathogenic/Likely pathogenic. Review status: criteria provided, multiple submitters, no conflicts (2 of 4 stars). 2 submissions from 2 submitters: Pathogenic (1); Likely pathogenic (1). Last evaluated 2024-06-21.

Conditions:
Fanconi anemia complementation group I (FANCI). Also called: FANCI-Related Fanconi Anemia. Identifiers: Orphanet 84, MedGen C1836861, MONDO:0012186, OMIM 609053.
Fanconi anemia (FA). Also called: Fanconi's anemia. Identifiers: Orphanet 84, MedGen C0015625, MeSH D005199, MONDO:0019391.

Submissions (2):

Fulgent Genetics
Classification: Likely pathogenic for Fanconi anemia complementation group I. Last evaluated: 2024-06-21. Review status: criteria provided, single submitter. Criteria: ACMG Guidelines, 2015. Collection method: clinical testing. Allele origin: germline.

Labcorp Genetics (formerly Invitae), Labcorp
Classification: Pathogenic for Fanconi anemia. Last evaluated: 2023-12-23. Review status: criteria provided, single submitter. Criteria: Invitae Variant Classification Sherloc (09022015). Collection method: clinical testing. Allele origin: germline.
Comment: This sequence change creates a premature translational stop signal (p.Asn304Lysfs*23) in the FANCI gene. It is expected to result in an absent or disrupted protein product. Loss-of-function variants in FANCI are known to be pathogenic (PMID: 17452773, 17460694). This variant is not present in population databases (gnomAD no frequency). This variant has not been reported in the literature in individuals affected with FANCI-related conditions. For these reasons, this variant has been classified as Pathogenic.

Literature cited by the submitters: PubMed 17452773 (cited by Labcorp Genetics (formerly Invitae), Labcorp); PubMed 17460694 (cited by Labcorp Genetics (formerly Invitae), Labcorp).